The following is an entry in ClinVar:

NM_001042492.3(NF1):c.5782G>T (p.Glu1928Ter)

Gene: NF1 (neurofibromin 1; plus strand). Cytogenetic location: 17q11.2.
Variant type: single nucleotide variant.
Coding change: c.5782G>T on transcript NM_001042492.3 (MANE Select); coding-DNA position 5782, G replaced by T.
Protein change: p.Glu1928Ter; replaces glutamic acid 1928 with a stop codon.
Molecular consequence: nonsense.
Genome position (GRCh38, 1-based): chr17:31,330,468, G>T. VCF-style: chr17-31330468-G-T. GRCh37 (hg19) VCF-style: chr17-29657486-G-T.
Other names: c.5719G>T, p.Glu1907Ter (NM_000267.4); short protein forms E1907*, E1928*.
Identifiers: ClinVar variation 187652 (VCV000187652.11), dbSNP rs786203896, ClinGen allele CA198197.

ClinVar aggregate classification (germline): Pathogenic. Review status: criteria provided, multiple submitters, no conflicts (2 of 4 stars). 5 submissions from 5 submitters: Pathogenic (5). Last evaluated 2025-02-16.

Conditions:
Hereditary cancer-predisposing syndrome. Also called: Hereditary Cancer Syndrome; Neoplastic Syndromes, Hereditary; Tumor predisposition; Hereditary neoplastic syndrome. Identifiers: Orphanet 140162, MedGen C0027672, MeSH D009386, MONDO:0015356.
Juvenile myelomonocytic leukemia (JMML). Also called: LEUKEMIA, JUVENILE MYELOMONOCYTIC, SOMATIC. Identifiers: Orphanet 86834, MedGen C0349639, MONDO:0011908, OMIM 607785, HP:0012209.
Café-au-lait macules with pulmonary stenosis (WTSN). Also called: PULMONIC STENOSIS WITH CAFE-AU-LAIT SPOTS. Identifiers: MedGen C0553586, MONDO:0008672, OMIM 193520.
Neurofibromatosis, type 1 (NF1). Also called: NEUROFIBROMATOSIS, TYPE I, SOMATIC; VON RECKLINGHAUSEN DISEASE; Peripheral type neurofibromatosis; Neurofibromatosis, type I. Identifiers: Orphanet 636, MedGen C0027831, MONDO:0018975, OMIM 162200. Disease mechanism: loss of function.
Neurofibromatosis-Noonan syndrome (NFNS). Also called: NEUROFIBROMATOSIS WITH NOONAN PHENOTYPE. Identifiers: Orphanet 638, MedGen C2931482, MONDO:0011035, OMIM 601321. Disease mechanism: loss of function.
Neurofibromatosis, familial spinal (FSNF). Identifiers: Orphanet 636, MedGen C1834235, MONDO:0008078, OMIM 162210. Disease mechanism: loss of function.

Submissions (5):

Laboratory of Genetics, Children's Clinical University Hospital Latvia
Classification: Pathogenic. Last evaluated: 2025-02-16. Review status: criteria provided, single submitter. Criteria: ACMG Guidelines, 2015. Collection method: clinical testing. Allele origin: germline. Affected: yes.

Labcorp Genetics (formerly Invitae), Labcorp
Classification: Pathogenic for Neurofibromatosis, type 1. Last evaluated: 2024-10-27. Review status: criteria provided, single submitter. Criteria: Invitae Variant Classification Sherloc (09022015). Collection method: clinical testing. Allele origin: germline.
Comment: This sequence change creates a premature translational stop signal (p.Glu1907*) in the NF1 gene. It is expected to result in an absent or disrupted protein product. Loss-of-function variants in NF1 are known to be pathogenic (PMID: 10712197, 23913538). This variant is not present in population databases (gnomAD no frequency). This premature translational stop signal has been observed in individual(s) with neurofibromatosis type 1 (PMID: 31370276). ClinVar contains an entry for this variant (Variation ID: 187652). Algorithms developed to predict the effect of sequence changes on RNA splicing suggest that this variant may disrupt the consensus splice site. For these reasons, this variant has been classified as Pathogenic.

Genome-Nilou Lab
Classification: Pathogenic for Neurofibromatosis, type 1. Last evaluated: 2022-03-15. Review status: criteria provided, single submitter. Criteria: ACMG Guidelines, 2015. Collection method: clinical testing. Allele origin: germline. Affected: no.

Fulgent Genetics
Classification: Pathogenic for Neurofibromatosis, type 1; Neurofibromatosis, familial spinal; Café-au-lait macules with pulmonary stenosis; Neurofibromatosis-Noonan syndrome; Juvenile myelomonocytic leukemia. Last evaluated: 2018-10-31. Review status: criteria provided, single submitter. Criteria: ACMG Guidelines, 2015. Collection method: clinical testing. Allele origin: unknown.

Ambry Genetics
Classification: Pathogenic for Hereditary cancer-predisposing syndrome. Last evaluated: 2014-12-30. Review status: criteria provided, single submitter. Criteria: Ambry Autosomal Dominant and X-Linked criteria (10/2015). Collection method: clinical testing. Allele origin: germline. Observed: 1 variant allele.
Comment: The p.E1928* pathogenic mutation (also known as c.5782G>T) located in coding exon 39 of the NF1 gene, results from a G to T substitution at nucleotide position 5782. This changes the amino acid from a glutamic acid to a stop codon within coding exon 39. Since premature stop codons are typically deleterious in nature, this alteration is interpreted as a disease-causing mutation (ACMG Recommendations for Standards for Interpretation and Reporting of Sequence Variations. Revision 2007. Genet Med. 2008;10:294).

Literature cited by the submitters: PubMed 10712197 (cited by Labcorp Genetics (formerly Invitae), Labcorp); PubMed 23913538 (cited by Labcorp Genetics (formerly Invitae), Labcorp); PubMed 31370276 (cited by Labcorp Genetics (formerly Invitae), Labcorp).